The following is an entry in ClinVar:

ClinVar aggregate classification (germline): Uncertain significance (1 of 4 stars; one submission).

Conditions:
Inborn genetic diseases. Identifiers: MedGen C0950123, MeSH D030342.

Submission:

Ambry Genetics
Classification: Uncertain significance for Inborn genetic diseases. Last evaluated: 2023-07-26. Review status: criteria provided, single submitter. Criteria: Ambry Variant Classification Scheme 2023. Collection method: clinical testing. Allele origin: germline.
Comment: The p.S357T variant (also known as c.1069T>A), located in coding exon 9 of the ACD gene, results from a T to A substitution at nucleotide position 1069. The serine at codon 357 is replaced by threonine, an amino acid with similar properties. This amino acid position is conserved. In addition, this alteration is predicted to be tolerated by in silico analysis. Since supporting evidence is limited at this time, the clinical significance of this alteration remains unclear.

NM_001082486.2(ACD):c.811T>A (p.Ser271Thr)

Gene: ACD (ACD shelterin complex subunit and telomerase recruitment factor; minus strand). Cytogenetic location: 16q22.1.
Variant type: single nucleotide variant.
Coding change: c.811T>A on transcript NM_001082486.2 (MANE Select); coding-DNA position 811, T replaced by A.
Protein change: p.Ser271Thr; replaces serine 271 with threonine.
Molecular consequence: missense variant. On other transcripts: intron variant (1).
Genome position (GRCh38, 1-based): chr16:67,658,573, A>T on the plus strand (T>A on the coding strand, the complement: ACD is on the minus strand). VCF-style: chr16-67658573-A-T. GRCh37 (hg19) VCF-style: chr16-67692476-A-T.
Other names: c.802T>A, p.Ser268Thr (NM_022914.3); c.742+147T>A (NM_001410884.1); short protein forms S271T, S268T.
Identifiers: ClinVar variation 2602988 (VCV002602988.2), dbSNP rs2543601091, ClinGen allele CA396353169.